The following is an entry in ClinVar:

ClinVar aggregate classification (germline): Uncertain significance (1 of 4 stars; one submission).

Submission:

Labcorp Genetics (formerly Invitae), Labcorp
Classification: Uncertain significance. Last evaluated: 2021-10-21. Review status: criteria provided, single submitter. Criteria: Invitae Variant Classification Sherloc (09022015). Collection method: clinical testing. Allele origin: germline.
Comment: This variant is not present in population databases (gnomAD no frequency). This sequence change replaces aspartic acid, which is acidic and polar, with glutamic acid, which is acidic and polar, at codon 744 of the SCN3A protein (p.Asp744Glu). This variant has not been reported in the literature in individuals affected with SCN3A-related conditions. In summary, the available evidence is currently insufficient to determine the role of this variant in disease. Therefore, it has been classified as a Variant of Uncertain Significance. Algorithms developed to predict the effect of missense changes on protein structure and function output the following: SIFT: "Tolerated"; PolyPhen-2: "Benign"; Align-GVGD: "Class C0". The glutamic acid amino acid residue is found in multiple mammalian species, which suggests that this missense change does not adversely affect protein function.

NM_006922.4(SCN3A):c.2232T>G (p.Asp744Glu)

Gene: SCN3A (sodium voltage-gated channel alpha subunit 3; minus strand). Cytogenetic location: 2q24.3.
Variant type: single nucleotide variant.
Coding change: c.2232T>G on transcript NM_006922.4 (MANE Select); coding-DNA position 2232, T replaced by G.
Protein change: p.Asp744Glu; replaces aspartic acid 744 with glutamic acid.
Molecular consequence: missense variant.
Genome position (GRCh38, 1-based): chr2:165,138,038, A>C on the plus strand (T>G on the coding strand, the complement: SCN3A is on the minus strand). VCF-style: chr2-165138038-A-C. GRCh37 (hg19) VCF-style: chr2-165994548-A-C.
Other names: c.2085T>G, p.Asp695Glu (NM_001081676.2, NM_001081677.2); short protein forms D695E, D744E.
Identifiers: ClinVar variation 1483491 (VCV001483491.6), dbSNP rs2105801302, ClinGen allele CA349045293.